The following is an entry in ClinVar:

ClinVar aggregate classification (germline): Likely benign. Review status: criteria provided, multiple submitters, no conflicts (2 of 4 stars). 4 submissions from 4 submitters: Likely benign (3). 1 of the submissions does not count toward it. Last evaluated 2025-11-03.

Conditions:
DLC1-related disorder. Also called: DLC1-related condition.

Allele frequency attached by ClinVar (database versions not stated): ExAC 0.00001; gnomAD 0.00001; TOPMed 0.00001; gnomAD exomes 0.00002.
gnomAD v4.1: 31 of 1,613,928 alleles (0.0019%); highest among the groups gnomAD compares: Admixed American, 0.012%; no homozygotes.

Submissions (4):

Labcorp Genetics (formerly Invitae), Labcorp
Classification: Likely benign. Last evaluated: 2025-11-03. Review status: criteria provided, single submitter. Criteria: Invitae Variant Classification Sherloc (09022015). Collection method: clinical testing. Allele origin: germline.

Ambry Genetics
Classification: Likely benign. Last evaluated: 2025-02-12. Review status: criteria provided, single submitter. Criteria: Ambry Variant Classification Scheme 2023. Collection method: clinical testing. Allele origin: germline.

Blueprint Genetics
Classification: Likely benign. Last evaluated: 2024-05-09. Review status: criteria provided, single submitter. Criteria: ACMG Guidelines, 2015. Collection method: clinical testing. Allele origin: germline.

PreventionGenetics, part of Exact Sciences
Classification: Likely benign for DLC1-related condition. Last evaluated: 2023-08-05. Review status: no assertion criteria provided. Collection method: clinical testing. Allele origin: germline. Not counted in ClinVar's aggregate classification.
Comment: This variant is classified as likely benign based on ACMG/AMP sequence variant interpretation guidelines (Richards et al. 2015 PMID: 25741868, with internal and published modifications).

NM_182643.3(DLC1):c.3834C>T (p.Ala1278=)

Gene: DLC1 (DLC1 Rho GTPase activating protein; minus strand). Cytogenetic location: 8p22.
Variant type: single nucleotide variant.
Coding change: c.3834C>T on transcript NM_182643.3 (MANE Select); coding-DNA position 3834, C replaced by T.
Protein change: p.Ala1278=; no amino-acid change (alanine 1278 retained).
Molecular consequence: synonymous variant.
Genome position (GRCh38, 1-based): chr8:13,091,339, G>A on the plus strand (C>T on the coding strand, the complement: DLC1 is on the minus strand). VCF-style: chr8-13091339-G-A. GRCh37 (hg19) VCF-style: chr8-12948848-G-A.
Other names: c.2301C>T, p.Ala767= (NM_001164271.2, NM_001348082.2, NM_001348083.1 and 6 more transcripts); c.2625C>T, p.Ala875= (NM_001316668.2, NM_001413129.1); c.3834C>T, p.Ala1278= (NM_001348081.2, NM_001413124.1); c.2616C>T, p.Ala872= (NM_001413130.1); c.2274C>T, p.Ala758= (NM_001413131.1, NM_001413137.1); c.2760C>T, p.Ala920= (NM_001413132.1); c.2523C>T, p.Ala841= (NM_001413135.1, NM_001413136.1, NM_001413139.1 and 1 more transcripts); c.2658C>T, p.Ala886= (NM_001413140.1); and 1 more.
Identifiers: ClinVar variation 2052952 (VCV002052952.8), dbSNP rs746295250, ClinGen allele CA4638154.